The following is an entry in ClinVar:

NM_152393.4(KLHL40):c.344C>A (p.Ser115Tyr)

Gene: KLHL40 (kelch like family member 40; plus strand). Cytogenetic location: 3p22.1.
Variant type: single nucleotide variant.
Coding change: c.344C>A on transcript NM_152393.4 (MANE Select); coding-DNA position 344, C replaced by A.
Protein change: p.Ser115Tyr; replaces serine 115 with tyrosine.
Molecular consequence: missense variant.
Genome position (GRCh38, 1-based): chr3:42,685,962, C>A. VCF-style: chr3-42685962-C-A. GRCh37 (hg19) VCF-style: chr3-42727454-C-A.
Other names: short protein forms S115Y.
Identifiers: ClinVar variation 1968585 (VCV001968585.2), dbSNP rs371748730, ClinGen allele CA352289182.

ClinVar aggregate classification (germline): Uncertain significance (1 of 4 stars; one submission).

Conditions:
Nemaline myopathy 8 (NEM8). Also called: Nemaline myopathy 8, autosomal recessive. Identifiers: Orphanet 171430, MedGen C3809209, MONDO:0014138, OMIM 615348.

gnomAD v4.1: 1 of 1,611,856 alleles (0.000062%); highest among the groups gnomAD compares: Non-Finnish European, 0.000085%; no homozygotes.

Submission:

Labcorp Genetics (formerly Invitae), Labcorp
Classification: Uncertain significance for Nemaline myopathy 8. Last evaluated: 2022-10-25. Review status: criteria provided, single submitter. Criteria: Invitae Variant Classification Sherloc (09022015). Collection method: clinical testing. Allele origin: germline.
Comment: This sequence change replaces serine, which is neutral and polar, with tyrosine, which is neutral and polar, at codon 115 of the KLHL40 protein (p.Ser115Tyr). This variant is not present in population databases (gnomAD no frequency). This variant has not been reported in the literature in individuals affected with KLHL40-related conditions. Advanced modeling of protein sequence and biophysical properties (such as structural, functional, and spatial information, amino acid conservation, physicochemical variation, residue mobility, and thermodynamic stability) performed at Invitae indicates that this missense variant is not expected to disrupt KLHL40 protein function. In summary, the available evidence is currently insufficient to determine the role of this variant in disease. Therefore, it has been classified as a Variant of Uncertain Significance.